The following is an entry in ClinVar:

NM_014629.4(ARHGEF10):c.3819G>C (p.Glu1273Asp)

Gene: ARHGEF10 (Rho guanine nucleotide exchange factor 10; plus strand). Cytogenetic location: 8p23.3.
Variant type: single nucleotide variant.
Coding change: c.3819G>C on transcript NM_014629.4 (MANE Select); coding-DNA position 3819, G replaced by C.
Protein change: p.Glu1273Asp; replaces glutamic acid 1273 with aspartic acid.
Molecular consequence: missense variant.
Genome position (GRCh38, 1-based): chr8:1,957,047, G>C. VCF-style: chr8-1957047-G-C. GRCh37 (hg19) VCF-style: chr8-1905213-G-C.
Other names: c.3705G>C, p.Glu1235Asp (NM_001308152.2); c.3819G>C, p.Glu1273Asp (NM_001308153.3); short protein forms E1235D, E1273D, E1297D.
Identifiers: ClinVar variation 2633658 (VCV002633658.2), dbSNP rs923161632, ClinGen allele CA369958469.

ClinVar aggregate classification (germline): Uncertain significance. Review status: criteria provided, multiple submitters, no conflicts (2 of 4 stars). 2 submissions from 2 submitters: Uncertain significance (2). Last evaluated 2024-08-20.

Conditions:
ARHGEF10-related disorder. Also called: ARHGEF10-related condition.

Allele frequency attached by ClinVar (database versions not stated): gnomAD exomes below 0.00001.
gnomAD v4.1: 1 of 1,613,792 alleles (0.000062%); highest among the groups gnomAD compares: Non-Finnish European, 0.000085%; no homozygotes.

Submissions (2):

Ambry Genetics
Classification: Uncertain significance. Last evaluated: 2024-08-20. Review status: criteria provided, single submitter. Criteria: Ambry Variant Classification Scheme 2023. Collection method: clinical testing. Allele origin: germline.

PreventionGenetics, part of Exact Sciences
Classification: Uncertain significance for ARHGEF10-related condition. Last evaluated: 2023-03-27. Review status: criteria provided, single submitter. Criteria: ACMG Guidelines, 2015. Collection method: clinical testing. Allele origin: germline.
Comment: The ARHGEF10 c.3819G>C variant is predicted to result in the amino acid substitution p.Glu1273Asp. To our knowledge, this variant has not been reported in the literature or in a large population database, indicating this variant is rare. At this time, the clinical significance of this variant is uncertain due to the absence of conclusive functional and genetic evidence.